The following is an entry in ClinVar:

ClinVar aggregate classification (germline): Uncertain significance. Review status: criteria provided, multiple submitters, no conflicts (2 of 4 stars). 2 submissions from 2 submitters: Uncertain significance (2). Last evaluated 2024-06-19.

Conditions:
Bardet-Biedl syndrome 20. Identifiers: MedGen C4310707, MONDO:0023670, OMIM 619471, MONDO:0014926.
Short-rib thoracic dysplasia 10 with or without polydactyly (SRTD10). Identifiers: Orphanet 474, MedGen C3810175, MONDO:0014284, OMIM 615630.
Retinitis pigmentosa 71 (RP71). Identifiers: Orphanet 791, MedGen C4225342, MONDO:0014618, OMIM 616394.

Allele frequency attached by ClinVar (database versions not stated): gnomAD exomes below 0.00001; TOPMed below 0.00001; gnomAD 0.00001.
gnomAD v4.1: 2 of 1,614,076 alleles (0.00012%); highest among the groups gnomAD compares: Non-Finnish European, 0.00017%; no homozygotes.

Submissions (2):

Fulgent Genetics
Classification: Uncertain significance for Short-rib thoracic dysplasia 10 with or without polydactyly; Retinitis pigmentosa 71; Bardet-Biedl syndrome 20. Last evaluated: 2024-06-19. Review status: criteria provided, single submitter. Criteria: ACMG Guidelines, 2015. Collection method: clinical testing. Allele origin: germline.

Labcorp Genetics (formerly Invitae), Labcorp
Classification: Uncertain significance for Retinitis pigmentosa 71; Short-rib thoracic dysplasia 10 with or without polydactyly. Last evaluated: 2022-05-27. Review status: criteria provided, single submitter. Criteria: Invitae Variant Classification Sherloc (09022015). Collection method: clinical testing. Allele origin: germline.
Comment: In summary, the available evidence is currently insufficient to determine the role of this variant in disease. Therefore, it has been classified as a Variant of Uncertain Significance. This variant is not present in population databases (gnomAD no frequency). This sequence change replaces methionine, which is neutral and non-polar, with leucine, which is neutral and non-polar, at codon 839 of the IFT172 protein (p.Met839Leu). This variant has not been reported in the literature in individuals affected with IFT172-related conditions. Algorithms developed to predict the effect of missense changes on protein structure and function (SIFT, PolyPhen-2, Align-GVGD) all suggest that this variant is likely to be tolerated.

NM_015662.3(IFT172):c.2515A>C (p.Met839Leu)

Gene: IFT172 (intraflagellar transport 172; minus strand). Cytogenetic location: 2p23.3.
Variant type: single nucleotide variant.
Coding change: c.2515A>C on transcript NM_015662.3 (MANE Select); coding-DNA position 2515, A replaced by C.
Protein change: p.Met839Leu; replaces methionine 839 with leucine.
Molecular consequence: missense variant.
Genome position (GRCh38, 1-based): chr2:27,461,021, T>G on the plus strand (A>C on the coding strand, the complement: IFT172 is on the minus strand). VCF-style: chr2-27461021-T-G. GRCh37 (hg19) VCF-style: chr2-27683888-T-G.
Other names: c.2449A>C, p.Met817Leu (NM_001410739.1); short protein forms M817L, M839L.
Identifiers: ClinVar variation 1921646 (VCV001921646.6), dbSNP rs1032027895, ClinGen allele CA44497508.